The following is an entry in ClinVar:

ClinVar aggregate classification (germline): Uncertain significance (0 of 4 stars; one submission).

Conditions:
Prostate cancer. Also called: Malignant tumor of prostate. Identifiers: Orphanet 1331, MedGen C0376358, MONDO:0008315, HP:0012125.

Submission:

Science for Life laboratory,  Karolinska Institutet
Classification: Uncertain significance for Malignant tumor of prostate. Review status: no assertion criteria provided. Collection method: not provided. Allele origin: somatic.
Comment: TumorID:SWE-15
ClinVar note: Converted during submission from Unknown to Uncertain significance.

NM_002940.3(ABCE1):c.708T>G (p.Asp236Glu)

Gene: ABCE1 (ATP binding cassette subfamily E member 1; plus strand). Cytogenetic location: 4q31.21.
Variant type: single nucleotide variant.
Coding change: c.708T>G on transcript NM_002940.3 (MANE Select); coding-DNA position 708, T replaced by G.
Protein change: p.Asp236Glu; replaces aspartic acid 236 with glutamic acid.
Molecular consequence: missense variant.
Genome position (GRCh38, 1-based): chr4:145,111,062, T>G. VCF-style: chr4-145111062-T-G. GRCh37 (hg19) VCF-style: chr4-146032214-T-G.
Other names: c.708T>G, p.Asp236Glu (NM_001040876.2); short protein forms D236E.
Identifiers: ClinVar variation 161505 (VCV000161505.2), dbSNP rs193920849, ClinGen allele CA174159.